The following is an entry in ClinVar:

NM_022437.3(ABCG8):c.1685T>C (p.Phe562Ser)

Gene: ABCG8 (ATP binding cassette subfamily G member 8; plus strand). Cytogenetic location: 2p21.
Variant type: single nucleotide variant.
Coding change: c.1685T>C on transcript NM_022437.3 (MANE Select); coding-DNA position 1685, T replaced by C.
Protein change: p.Phe562Ser; replaces phenylalanine 562 with serine.
Molecular consequence: missense variant.
Genome position (GRCh38, 1-based): chr2:43,875,342, T>C. VCF-style: chr2-43875342-T-C. GRCh37 (hg19) VCF-style: chr2-44102481-T-C.
Other names: c.1682T>C, p.Phe561Ser (NM_001357321.2); short protein forms F561S, F562S.
Identifiers: ClinVar variation 3313185 (VCV003313185.1).

ClinVar aggregate classification (germline): Uncertain significance (1 of 4 stars; one submission).

Conditions:
Cardiovascular phenotype. Identifiers: MedGen CN230736.

gnomAD v4.1: 1 of 1,614,050 alleles (0.000062%); highest among the groups gnomAD compares: African/African-American, 0.0013%; no homozygotes.

Submission:

Ambry Genetics
Classification: Uncertain significance for Cardiovascular phenotype. Last evaluated: 2024-04-18. Review status: criteria provided, single submitter. Criteria: Ambry Variant Classification Scheme 2023. Collection method: clinical testing. Allele origin: germline.
Comment: The p.F562S variant (also known as c.1685T>C), located in coding exon 11 of the ABCG8 gene, results from a T to C substitution at nucleotide position 1685. The phenylalanine at codon 562 is replaced by serine, an amino acid with highly dissimilar properties. This amino acid position is conserved. In addition, this alteration is predicted to be tolerated by in silico analysis. Based on the available evidence, the clinical significance of this variant remains unclear.